The following is an entry in ClinVar:

ClinVar aggregate classification (germline): Uncertain significance (1 of 4 stars; one submission).

Conditions:
Nicolaides-Baraitser syndrome (NCBRS). Also called: SMARCA2-Related Nicolaides-Baraitser Syndrome; Intellectual disability-sparse hair-brachydactyly syndrome. Identifiers: Orphanet 3051, MedGen C1303073, MONDO:0011053, OMIM 601358.

Submission:

Genetics and Molecular Pathology, SA Pathology
Classification: Uncertain significance for Nicolaides-Baraitser syndrome. Last evaluated: 2021-10-11. Review status: criteria provided, single submitter. Criteria: ACMG Guidelines, 2015. Collection method: clinical testing. Allele origin: germline. Affected: yes.
Comment: The SMARCA2 c.1682_1687del variant is classified as VUS (PM2, PS2_Moderate) This SMARCA2 c.1682_1687del variant results in an inframe deletion in exon 9/34. This variant is absent from population databases (PM2). This variant has not been reported in dbSNP. This variant has not been reported in ClinVar. This novel variant has not been reported in the literature or the ClinVar database. De novo variants typically associated with this disorder; some in-frame deletions previously reported, although at different positions PMID: 25169058

Literature cited by the submitters: PubMed 25169058.

NM_003070.5(SMARCA2):c.1676GGA[2] (p.Arg561_Arg562del)

Gene: SMARCA2 (SWI/SNF related BAF chromatin remodeling complex subunit ATPase 2; plus strand). Cytogenetic location: 9p24.3.
Variant type: Microsatellite.
Coding change: c.1676GGA[2] on transcript NM_003070.5 (MANE Select); two copies in a row of the 3-base unit GGA starting at c.1676; the reference has four copies in a row; two copies, 6 bases deleted.
Protein change: p.Arg561_Arg562del.
Molecular consequence: inframe deletion. On other transcripts: inframe indel (1).
Genome position (GRCh38, 1-based): chr9:2,060,976-2,060,981, GGAGGA deleted; deleting any 6 consecutive bases within chr9:2,060,968-2,060,981 gives the same sequence; the position shown is the placement nearest the transcript's 3' end. VCF-style (leftmost placement, unchanged base first): chr9-2060967-AGAGGAG-A. GRCh37 (hg19) VCF-style: chr9-2060967-AGAGGAG-A.
Other names: c.1682_1687delGGAGGA (NM_003070.5); c.1676_1678GGA[2], p.Arg561_Arg562del (NM_001289396.2); c.1676GGA[2], p.Arg561_Arg562del (NM_001289397.2, NM_139045.4).
Identifiers: ClinVar variation 1698885 (VCV001698885.2), dbSNP rs754525705, ClinGen allele CA2497030227.